The following is an entry in ClinVar:

NM_006343.3(MERTK):c.2967C>T (p.Asp989=)

Gene: MERTK (MER proto-oncogene, tyrosine kinase; plus strand). Cytogenetic location: 2q13.
Variant type: single nucleotide variant.
Coding change: c.2967C>T on transcript NM_006343.3 (MANE Select); coding-DNA position 2967, C replaced by T.
Protein change: p.Asp989=; no amino-acid change (aspartic acid 989 retained).
Molecular consequence: synonymous variant.
Genome position (GRCh38, 1-based): chr2:112,028,831, C>T. VCF-style: chr2-112028831-C-T. GRCh37 (hg19) VCF-style: chr2-112786408-C-T.
Identifiers: ClinVar variation 752860 (VCV000752860.9), dbSNP rs140956730, ClinGen allele CA1832005.

ClinVar aggregate classification (germline): Likely benign. Review status: criteria provided, multiple submitters, no conflicts (2 of 4 stars). 2 submissions from 2 submitters: Likely benign (2). Last evaluated 2025-08-27.

Conditions:
MERTK-related disorder. Also called: MERTK-related condition.

Allele frequency attached by ClinVar (database versions not stated): ExAC 0.00003; gnomAD 0.00003 and 0.00004; gnomAD exomes 0.00003; TOPMed 0.00004; ESP Exome Variant Server 0.00008.
gnomAD v4.1: 47 of 1,613,868 alleles (0.0029%); highest among the groups gnomAD compares: African/African-American, 0.0053%; no homozygotes.

Submissions (2):

PreventionGenetics, part of Exact Sciences
Classification: Likely benign for MERTK-related condition. Last evaluated: 2025-08-27. Review status: criteria provided, single submitter. Criteria: ACMG Guidelines, 2015. Collection method: clinical testing. Allele origin: germline.
Comment: This variant is classified as likely benign based on ACMG/AMP sequence variant interpretation guidelines (Richards et al. 2015 PMID: 25741868, with internal and published modifications).

Labcorp Genetics (formerly Invitae), Labcorp
Classification: Likely benign. Last evaluated: 2025-04-17. Review status: criteria provided, single submitter. Criteria: Invitae Variant Classification Sherloc (09022015). Collection method: clinical testing. Allele origin: germline.